The following is an entry in ClinVar:

NM_014921.5(ADGRL1):c.197C>T (p.Thr66Met)

Gene: ADGRL1 (adhesion G protein-coupled receptor L1; minus strand). Cytogenetic location: 19p13.12.
Variant type: single nucleotide variant.
Coding change: c.197C>T on transcript NM_014921.5 (MANE Select); coding-DNA position 197, C replaced by T.
Protein change: p.Thr66Met; replaces threonine 66 with methionine.
Molecular consequence: missense variant.
Genome position (GRCh38, 1-based): chr19:14,177,618, G>A on the plus strand (C>T on the coding strand, the complement: ADGRL1 is on the minus strand). VCF-style: chr19-14177618-G-A. GRCh37 (hg19) VCF-style: chr19-14288430-G-A.
Other names: c.197C>T, p.Thr66Met (NM_001008701.3); short protein forms T66M.
Identifiers: ClinVar variation 2649419 (VCV002649419.24), dbSNP rs775595539, ClinGen allele CA9251026.

ClinVar aggregate classification (germline): Uncertain significance (1 of 4 stars; one submission).

Allele frequency attached by ClinVar (database versions not stated): ExAC 0.00001; gnomAD exomes 0.00001; gnomAD 0.00002; TOPMed 0.00002.
gnomAD v4.1: 19 of 1,614,058 alleles (0.0012%); highest among the groups gnomAD compares: African/African-American, 0.0067%; no homozygotes.

Submission:

CeGaT Center for Human Genetics Tuebingen
Classification: Uncertain significance. Last evaluated: 2023-01-01. Review status: criteria provided, single submitter. Criteria: CeGaT Center For Human Genetics Tuebingen Variant Classification Criteria Version 2. Collection method: clinical testing. Allele origin: germline. Affected: yes. Observed: 1 variant allele.
Comment: ADGRL1: PP2